The following is an entry in ClinVar:

NM_000466.3(PEX1):c.2205A>G (p.Gln735=)

Gene: PEX1 (peroxisomal biogenesis factor 1; minus strand). Cytogenetic location: 7q21.2.
Variant type: single nucleotide variant.
Coding change: c.2205A>G on transcript NM_000466.3 (MANE Select); coding-DNA position 2205, A replaced by G.
Protein change: p.Gln735=; no amino-acid change (glutamine 735 retained).
Molecular consequence: synonymous variant.
Genome position (GRCh38, 1-based): chr7:92,503,062, T>C on the plus strand (A>G on the coding strand, the complement: PEX1 is on the minus strand). VCF-style: chr7-92503062-T-C. GRCh37 (hg19) VCF-style: chr7-92132376-T-C.
Other names: c.2034A>G, p.Gln678= (NM_001282677.2); c.1581A>G, p.Gln527= (NM_001282678.2); c.2205A>G (NM_000466.2).
Identifiers: ClinVar variation 1583727 (VCV001583727.32), dbSNP rs201308230, ClinGen allele CA161963532.

ClinVar aggregate classification (germline): Likely benign. Review status: criteria provided, multiple submitters, no conflicts (2 of 4 stars). 3 submissions from 3 submitters: Likely benign (3). Last evaluated 2025-12-10.

Conditions:
PEX1-related disorder. Also called: PEX1-related condition.
Zellweger spectrum disorders (ZS). Also called: Zellweger Spectrum Disorder; Zellweger Spectrum; Zellweger Spectrum Disorder (ZSD); Zellweger syndrome. Identifiers: Orphanet 912, MedGen C0043459, MONDO:0019609.

Allele frequency attached by ClinVar (database versions not stated): gnomAD exomes below 0.00001; TOPMed 0.00001.
gnomAD v4.1: 4 of 1,613,632 alleles (0.00025%); highest among the groups gnomAD compares: South Asian, 0.0022%; no homozygotes.

Submissions (3):

PreventionGenetics, part of Exact Sciences
Classification: Likely benign for PEX1-related condition. Last evaluated: 2025-12-10. Review status: criteria provided, single submitter. Criteria: ACMG Guidelines, 2015. Collection method: clinical testing. Allele origin: germline.
Comment: This variant is classified as likely benign based on ACMG/AMP sequence variant interpretation guidelines (Richards et al. 2015 PMID: 25741868, with internal and published modifications).

Labcorp Genetics (formerly Invitae), Labcorp
Classification: Likely benign for Zellweger spectrum disorders. Last evaluated: 2024-10-16. Review status: criteria provided, single submitter. Criteria: Invitae Variant Classification Sherloc (09022015). Collection method: clinical testing. Allele origin: germline.

CeGaT Center for Human Genetics Tuebingen
Classification: Likely benign. Last evaluated: 2023-11-01. Review status: criteria provided, single submitter. Criteria: CeGaT Center For Human Genetics Tuebingen Variant Classification Criteria Version 2. Collection method: clinical testing. Allele origin: germline. Affected: yes. Observed: 1 variant allele.
Comment: PEX1: BP4, BP7